The following is an entry in ClinVar:

NM_002029.4(FPR1):c.758G>T (p.Cys253Phe)

Gene: FPR1 (formyl peptide receptor 1; minus strand). Cytogenetic location: 19q13.41.
Variant type: single nucleotide variant.
Coding change: c.758G>T on transcript NM_002029.4 (MANE Select); coding-DNA position 758, G replaced by T.
Protein change: p.Cys253Phe; replaces cysteine 253 with phenylalanine.
Molecular consequence: missense variant.
Genome position (GRCh38, 1-based): chr19:51,746,237, C>A on the plus strand (G>T on the coding strand, the complement: FPR1 is on the minus strand). VCF-style: chr19-51746237-C-A. GRCh37 (hg19) VCF-style: chr19-52249490-C-A.
Other names: c.758G>T, p.Cys253Phe (NM_001193306.2); short protein forms C253F.
Identifiers: ClinVar variation 1501594 (VCV001501594.8), dbSNP rs2122321483, ClinGen allele CA407116781.

ClinVar aggregate classification (germline): Uncertain significance (1 of 4 stars; one submission).

Conditions:
Gingival disorder. Also called: Gingival disease. Identifiers: MedGen C0017563, MONDO:0002021.

Submission:

Labcorp Genetics (formerly Invitae), Labcorp
Classification: Uncertain significance for Gingival disorder. Last evaluated: 2022-03-19. Review status: criteria provided, single submitter. Criteria: Invitae Variant Classification Sherloc (09022015). Collection method: clinical testing. Allele origin: germline.
Comment: This sequence change replaces cysteine, which is neutral and slightly polar, with phenylalanine, which is neutral and non-polar, at codon 253 of the FPR1 protein (p.Cys253Phe). This variant is not present in population databases (gnomAD no frequency). This variant has not been reported in the literature in individuals affected with FPR1-related conditions. Algorithms developed to predict the effect of missense changes on protein structure and function (SIFT, PolyPhen-2, Align-GVGD) all suggest that this variant is likely to be disruptive. In summary, the available evidence is currently insufficient to determine the role of this variant in disease. Therefore, it has been classified as a Variant of Uncertain Significance.